The following is an entry in ClinVar:

ClinVar aggregate classification (germline): Conflicting classifications of pathogenicity. Review status: criteria provided, conflicting classifications (1 of 4 stars). 4 submissions from 4 submitters: Uncertain significance (1); Likely benign (3). Last evaluated 2026-01-19.

Conditions:
Intrauterine growth retardation, metaphyseal dysplasia, adrenal hypoplasia congenita, genital anomalies, and immunodeficiency. Also called: IMAGEI SYNDROME. Identifiers: MedGen C5193036, MONDO:0032684, OMIM 618336.
Colorectal cancer, susceptibility to, 12 (CRCS12). Also called: COLORECTAL CANCER, SUSCEPTIBILITY TO, ON CHROMOSOME 12q24. Identifiers: Orphanet 220460, MedGen C3554460, MONDO:0014038, OMIM 615083.
Facial dysmorphism-immunodeficiency-livedo-short stature syndrome. Also called: FILS syndrome; Facial dysmorphism, immunodeficiency, livedo, and short stature. Identifiers: Orphanet 352712, MedGen C3554576, MONDO:0014058, OMIM 615139.
Hereditary cancer-predisposing syndrome. Also called: Hereditary Cancer Syndrome; Hereditary neoplastic syndrome; Neoplastic Syndromes, Hereditary; Tumor predisposition. Identifiers: Orphanet 140162, MedGen C0027672, MeSH D009386, MONDO:0015356.

Allele frequency attached by ClinVar (database versions not stated): gnomAD 0.00001; gnomAD exomes 0.00001; TOPMed 0.00001; ExAC 0.00002.
gnomAD v4.1: 54 of 1,614,106 alleles (0.0033%); highest among the groups gnomAD compares: Non-Finnish European, 0.0046%; no homozygotes.

Submissions (4):

Labcorp Genetics (formerly Invitae), Labcorp
Classification: Likely benign. Last evaluated: 2026-01-19. Review status: criteria provided, single submitter. Criteria: Invitae Variant Classification Sherloc (09022015). Collection method: clinical testing. Allele origin: germline.

GeneDx
Classification: Likely benign. Last evaluated: 2017-10-25. Review status: criteria provided, single submitter. Criteria: GeneDx Variant Classification (06012015). Collection method: clinical testing. Allele origin: germline. Affected: yes.
Comment: This variant is considered likely benign or benign based on one or more of the following criteria: it is a conservative change, it occurs at a poorly conserved position in the protein, it is predicted to be benign by multiple in silico algorithms, and/or has population frequency not consistent with disease.

Ambry Genetics
Classification: Likely benign for Hereditary cancer-predisposing syndrome. Last evaluated: 2016-04-05. Review status: criteria provided, single submitter. Criteria: Ambry Variant Classification Scheme 2023. Collection method: clinical testing. Allele origin: germline.

Center for Genomics, Ann and Robert H. Lurie Children's Hospital of Chicago
Classification: Uncertain significance for Colorectal cancer, susceptibility to, 12; Facial dysmorphism-immunodeficiency-livedo-short stature syndrome; Intrauterine growth retardation, metaphyseal dysplasia, adrenal hypoplasia congenita, genital anomalies, and immunodeficiency. Review status: criteria provided, single submitter. Criteria: ACMG Guidelines, 2015. Collection method: clinical testing. Allele origin: germline.
Comment: This variant has not been reported in the literature but is present in the Genome Aggregation Database (Highest reported MAF: 0.003% [3/113522]), and in ClinVar (Variation ID: 389303). Of note, this is a silent variant and does not change the amino acid, reducing the probability that this variant is disease-causing. However, splice prediction tools suggest that this variant may impact splicing by creating a new splice site 2 nucleotide positions upstream of this variant. Further studies are needed to understand its impact. In summary, data on this variant is insufficient for disease classification. Therefore, the clinical significance of this variant is uncertain.

NM_006231.4(POLE):c.3219G>T (p.Gly1073=)

Gene: POLE (DNA polymerase epsilon, catalytic subunit; minus strand). Cytogenetic location: 12q24.33.
Variant type: single nucleotide variant.
Coding change: c.3219G>T on transcript NM_006231.4 (MANE Select); coding-DNA position 3219, G replaced by T.
Protein change: p.Gly1073=; no amino-acid change (glycine 1073 retained).
Molecular consequence: synonymous variant.
Genome position (GRCh38, 1-based): chr12:132,659,351, C>A on the plus strand (G>T on the coding strand, the complement: POLE is on the minus strand). VCF-style: chr12-132659351-C-A. GRCh37 (hg19) VCF-style: chr12-133235937-C-A.
Identifiers: ClinVar variation 389303 (VCV000389303.16), dbSNP rs760636704, ClinGen allele CA6893339.